The following is an entry in ClinVar:

ClinVar aggregate classification (germline): Likely pathogenic (1 of 4 stars; one submission).

Conditions:
Mandibulofacial dysostosis-microcephaly syndrome (MFDGA). Also called: Growth and mental retardation, mandibulofacial dysostosis, microcephaly, and cleft palate; Mandibulofacial dysostosis, Guion-Almeida type. Identifiers: Orphanet 79113, MedGen C1864652, MONDO:0012516, OMIM 610536.

Submission:

3billion
Classification: Likely pathogenic for Mandibulofacial dysostosis-microcephaly syndrome. Last evaluated: 2022-01-03. Review status: criteria provided, single submitter. Criteria: ACMG Guidelines, 2015. Collection method: clinical testing. Allele origin: germline. Affected: yes. Observed: 1 heterozygote.
Comment: Canonical splice site: predicted to alter splicing and result in a loss or disruption of normal protein function through protein truncation. Multiple pathogenic variants are reported in the predicted truncated region (PVS1_VS). It is not observed in the gnomAD v2.1.1 dataset (PM2_M). Therefore, this variant is classified as likely pathogenic according to the recommendation of ACMG/AMP guideline.

NM_004247.4(EFTUD2):c.870-1G>T

Gene: EFTUD2 (elongation factor Tu GTP binding domain containing 2; minus strand). Cytogenetic location: 17q21.31.
Variant type: single nucleotide variant.
Coding change: c.870-1G>T on transcript NM_004247.4 (MANE Select); the canonical splice acceptor site of the intron before coding-DNA position 870, G replaced by T.
Molecular consequence: splice acceptor variant.
Genome position (GRCh38, 1-based): chr17:44,872,571, C>A on the plus strand (G>T on the coding strand, the complement: EFTUD2 is on the minus strand). VCF-style: chr17-44872571-C-A. GRCh37 (hg19) VCF-style: chr17-42949939-C-A.
Other names: c.765-1G>T (NM_001142605.2); c.840-1G>T (NM_001258354.2); c.870-1G>T (NM_001258353.2).
Identifiers: ClinVar variation 1333275 (VCV001333275.1), dbSNP rs2145503914, ClinGen allele CA399818405.
Genomic context (GRCh38, chr17:44,872,571, plus strand): 5'-GAGAAGCAGACGTTACCCAGGAGTGGGGAAAGGATCAGGTTCTCATCAGTGGAATACATG[C>A]TGAAACAGAGACAGTGGTGAACACAGTGCCAGGCTGCAGCAGCCCGGACGCACTGCCAAG-3'